The following is an entry in ClinVar:

NM_138295.5(PKD1L1):c.5376G>T (p.Leu1792=)

Gene: PKD1L1 (polycystin 1 like 1, transient receptor potential channel interacting; minus strand). Cytogenetic location: 7p12.3.
Variant type: single nucleotide variant.
Coding change: c.5376G>T on transcript NM_138295.5 (MANE Select); coding-DNA position 5376, G replaced by T.
Protein change: p.Leu1792=; no amino-acid change (leucine 1792 retained).
Molecular consequence: synonymous variant.
Genome position (GRCh38, 1-based): chr7:47,843,031, C>A on the plus strand (G>T on the coding strand, the complement: PKD1L1 is on the minus strand). VCF-style: chr7-47843031-C-A. GRCh37 (hg19) VCF-style: chr7-47882629-C-A.
Identifiers: ClinVar variation 3036202 (VCV003036202.2), dbSNP rs148252365, ClinGen allele CA454909923.

ClinVar aggregate classification (germline): Likely benign (0 of 4 stars; one submission).

Conditions:
PKD1L1-related disorder. Also called: PKD1L1-related condition.

Allele frequency attached by ClinVar (database versions not stated): gnomAD exomes below 0.00001; gnomAD 0.00001; TOPMed 0.00002.
gnomAD v4.1: 4 of 1,613,864 alleles (0.00025%); highest among the groups gnomAD compares: Admixed American, 0.005%; no homozygotes.

Submission:

PreventionGenetics, part of Exact Sciences
Classification: Likely benign for PKD1L1-related condition. Last evaluated: 2021-12-02. Review status: no assertion criteria provided. Collection method: clinical testing. Allele origin: germline.
Comment: This variant is classified as likely benign based on ACMG/AMP sequence variant interpretation guidelines (Richards et al. 2015 PMID: 25741868, with internal and published modifications).